The following is an entry in ClinVar:

ClinVar aggregate classification (germline): Uncertain significance. Review status: criteria provided, multiple submitters, no conflicts (2 of 4 stars). 2 submissions from 2 submitters: Uncertain significance (2). Last evaluated 2025-11-15.

Conditions:
Myofibrillar myopathy 5. Also called: Filaminopathy (type); FILAMINOPATHY, AUTOSOMAL DOMINANT. Identifiers: Orphanet 171445, MedGen C1836050, MONDO:0012289, OMIM 609524.
Hypertrophic cardiomyopathy 26. Also called: Cardiomyopathy, familial hypertrophic, 26. Identifiers: Orphanet 75249, MedGen C4310749, MONDO:0014883, OMIM 617047.
Distal myopathy with posterior leg and anterior hand involvement. Also called: WILLIAMS DISTAL MYOPATHY. Identifiers: Orphanet 63273, MedGen C3279722, MONDO:0013550, OMIM 614065.
Cardiovascular phenotype. Identifiers: MedGen CN230736.

Allele frequency attached by ClinVar (database versions not stated): gnomAD exomes 0.00001 and below 0.00001; ExAC 0.00002.
gnomAD v4.1: 1 of 1,613,642 alleles (0.000062%); no homozygotes.

Submissions (2):

Ambry Genetics
Classification: Uncertain significance for Cardiovascular phenotype. Last evaluated: 2025-11-15. Review status: criteria provided, single submitter. Criteria: Ambry Variant Classification Scheme 2023. Collection method: clinical testing. Allele origin: germline.
Comment: The p.N1817K variant (also known as c.5451C>G), located in coding exon 33 of the FLNC gene, results from a C to G substitution at nucleotide position 5451. The asparagine at codon 1817 is replaced by lysine, an amino acid with similar properties. This amino acid position is conserved. In addition, the in silico prediction for this alteration is inconclusive. Based on the available evidence, the clinical significance of this variant remains unclear.

Labcorp Genetics (formerly Invitae), Labcorp
Classification: Uncertain significance for Distal myopathy with posterior leg and anterior hand involvement; Myofibrillar myopathy 5; Hypertrophic cardiomyopathy 26. Last evaluated: 2025-10-31. Review status: criteria provided, single submitter. Criteria: Invitae Variant Classification Sherloc (09022015). Collection method: clinical testing. Allele origin: germline.
Comment: This sequence change replaces asparagine, which is neutral and polar, with lysine, which is basic and polar, at codon 1817 of the FLNC protein (p.Asn1817Lys). This variant is present in population databases (rs762869314, gnomAD 0.009%). This variant has not been reported in the literature in individuals affected with FLNC-related conditions. ClinVar contains an entry for this variant (Variation ID: 657082). Invitae Evidence Modeling of protein sequence and biophysical properties (such as structural, functional, and spatial information, amino acid conservation, physicochemical variation, residue mobility, and thermodynamic stability) has been performed for this missense variant. However, the output from this modeling did not meet the statistical confidence thresholds required to predict the impact of this variant on FLNC protein function. In summary, the available evidence is currently insufficient to determine the role of this variant in disease. Therefore, it has been classified as a Variant of Uncertain Significance.

NM_001458.5(FLNC):c.5451C>G (p.Asn1817Lys)

Genes: FLNC (filamin C; plus strand), FLNC-AS1 (FLNC antisense RNA 1; minus strand). Cytogenetic location: 7q32.1.
Variant type: single nucleotide variant.
Coding change: c.5451C>G on transcript NM_001458.5 (MANE Select); coding-DNA position 5451, C replaced by G.
Protein change: p.Asn1817Lys; replaces asparagine 1817 with lysine.
Molecular consequence: missense variant.
Genome position (GRCh38, 1-based): chr7:128,850,855, C>G. VCF-style: chr7-128850855-C-G. GRCh37 (hg19) VCF-style: chr7-128490909-C-G.
Other names: c.5352C>G, p.Asn1784Lys (NM_001127487.2); short protein forms N1817K, N1784K.
Identifiers: ClinVar variation 657082 (VCV000657082.10), dbSNP rs762869314, ClinGen allele CA4475702.